The following is an entry in ClinVar:

NM_005144.5(HR):c.1177T>G (p.Cys393Gly)

Gene: HR (HR lysine demethylase and nuclear receptor corepressor; minus strand). Cytogenetic location: 8p21.3.
Variant type: single nucleotide variant.
Coding change: c.1177T>G on transcript NM_005144.5 (MANE Select); coding-DNA position 1177, T replaced by G.
Protein change: p.Cys393Gly; replaces cysteine 393 with glycine.
Molecular consequence: missense variant.
Genome position (GRCh38, 1-based): chr8:22,127,265, A>C on the plus strand (T>G on the coding strand, the complement: HR is on the minus strand). VCF-style: chr8-22127265-A-C. GRCh37 (hg19) VCF-style: chr8-21984778-A-C.
Other names: c.1177T>G, p.Cys393Gly (NM_018411.4); short protein forms C393G.
Identifiers: ClinVar variation 3650849 (VCV003650849.2).

ClinVar aggregate classification (germline): Uncertain significance (1 of 4 stars; one submission).

Submission:

Labcorp Genetics (formerly Invitae), Labcorp
Classification: Uncertain significance. Last evaluated: 2024-05-02. Review status: criteria provided, single submitter. Criteria: Invitae Variant Classification Sherloc (09022015). Collection method: clinical testing. Allele origin: germline.
Comment: This sequence change replaces cysteine, which is neutral and slightly polar, with glycine, which is neutral and non-polar, at codon 393 of the HR protein (p.Cys393Gly). This variant is not present in population databases (gnomAD no frequency). This variant has not been reported in the literature in individuals affected with HR-related conditions. An algorithm developed to predict the effect of missense changes on protein structure and function (PolyPhen-2) suggests that this variant is likely to be disruptive. In summary, the available evidence is currently insufficient to determine the role of this variant in disease. Therefore, it has been classified as a Variant of Uncertain Significance.